The following is an entry in ClinVar:

NM_000064.4(C3):c.3810+205T>A

Gene: C3 (complement C3; minus strand). Cytogenetic location: 19p13.3.
Variant type: single nucleotide variant.
Coding change: c.3810+205T>A on transcript NM_000064.4 (MANE Select); 205 bases into the intron after coding-DNA position 3810, T replaced by A.
Molecular consequence: intron variant.
Genome position (GRCh38, 1-based): chr19:6,685,919, A>T on the plus strand (T>A on the coding strand, the complement: C3 is on the minus strand). VCF-style: chr19-6685919-A-T. GRCh37 (hg19) VCF-style: chr19-6685930-A-T.
Other names: NC_000019.9:g.6685930A>T.
Identifiers: ClinVar variation 1228052 (VCV001228052.7), dbSNP rs11569582, ClinGen allele CA15953231.
Genomic context (GRCh38, chr19:6,685,919, plus strand): 5'-GACCTGAACCTGGGCCCTGAGAACATGATCTAGACACCTGGGGCAAGAAGAAGGCTCAAC[A>T]CACAGCTTGGAGTACCCAGATTGTATTCTAGAACCTATAGATGGGTTTGCAAGTAATAAA-3'

ClinVar aggregate classification (germline): Benign. Review status: criteria provided, multiple submitters, no conflicts (2 of 4 stars). 3 submissions from 3 submitters: Benign (3). Last evaluated 2025-09-30.

Conditions:
Atypical hemolytic-uremic syndrome. Identifiers: Orphanet 2134, MedGen C2931788, MONDO:0016244.
Complement component 3 deficiency. Identifiers: Orphanet 280133, MedGen C3151071, MONDO:0013417, OMIM 613779.
C3 glomerulonephritis. Also called: C3 GLOMERULOPATHY 3; Nephropathy due to CFHR5 Deficiency. Identifiers: Orphanet 329931, MedGen C4055342, MONDO:0013892, OMIM 614809.

Allele frequency attached by ClinVar (database versions not stated): 1000 Genomes Project 0.02336; 1000 Genomes Project 30x 0.02374; TOPMed 0.04117; gnomAD 0.04522 and 0.04691.
gnomAD v4.1: 6,981 of 152,314 alleles (4.6%); highest among the groups gnomAD compares: Non-Finnish European, 7%; 221 homozygotes.

Submissions (12):

Genomenon, Inc
Classification: Benign for Complement component 3 deficiency; C3 glomerulonephritis; Atypical hemolytic-uremic syndrome. Last evaluated: 2025-09-30. Review status: criteria provided, single submitter. Criteria: Genomenon Sequence Variant Interpretation Standards. Collection method: curation. Allele origin: germline. Affected: no.
Comment: C3 c.3810+205T>A is a deeply intronic variant located in intron 29. This variant has been reported in the published literature (PMID:34714369). This variant is present at high allele frequency in population databases. In conclusion, we classify C3 c.3810+205T>A as a benign variant.

Center for Genomic Medicine, Rigshospitalet, Copenhagen University Hospital
Classification: Benign. Last evaluated: 2025-03-04. Review status: criteria provided, single submitter. Criteria: ACMG Guidelines, 2015. Collection method: clinical testing. Allele origin: germline.

GeneDx
Classification: Benign. Last evaluated: 2021-06-18. Review status: criteria provided, single submitter. Criteria: GeneDx Variant Classification Process June 2021. Collection method: clinical testing. Allele origin: germline. Affected: yes.

Dr. Peter K. Rogan Lab, Western University
No classification provided (evidence only). Condition: Lung cancer. Review status: no classification provided. Collection method: in vitro. Allele origin: not applicable. Functional consequence: retained intron. Not counted in ClinVar's aggregate classification.

Dr. Peter K. Rogan Lab, Western University
No classification provided (evidence only). Condition: Lung cancer. Review status: no classification provided. Collection method: in vitro. Allele origin: not applicable. Functional consequence: retained intron. Not counted in ClinVar's aggregate classification.

Dr. Peter K. Rogan Lab, Western University
No classification provided (evidence only). Condition: Cervical cancer. Review status: no classification provided. Collection method: in vitro. Allele origin: not applicable. Functional consequence: retained intron. Not counted in ClinVar's aggregate classification.

Dr. Peter K. Rogan Lab, Western University
No classification provided (evidence only). Condition: Cholangiocarcinoma. Review status: no classification provided. Collection method: in vitro. Allele origin: not applicable. Functional consequence: retained intron. Not counted in ClinVar's aggregate classification.

Dr. Peter K. Rogan Lab, Western University
No classification provided (evidence only). Condition: Uterine carcinosarcoma. Review status: no classification provided. Collection method: in vitro. Allele origin: not applicable. Functional consequence: retained intron. Not counted in ClinVar's aggregate classification.

Dr. Peter K. Rogan Lab, Western University
No classification provided (evidence only). Condition: Malignant tumor of esophagus. Review status: no classification provided. Collection method: in vitro. Allele origin: not applicable. Functional consequence: retained intron. Not counted in ClinVar's aggregate classification.

Dr. Peter K. Rogan Lab, Western University
No classification provided (evidence only). Condition: Malignant tumor of esophagus. Review status: no classification provided. Collection method: in vitro. Allele origin: not applicable. Functional consequence: retained intron. Not counted in ClinVar's aggregate classification.

Dr. Peter K. Rogan Lab, Western University
No classification provided (evidence only). Condition: Malignant tumor of esophagus. Review status: no classification provided. Collection method: in vitro. Allele origin: not applicable. Functional consequence: retained intron. Not counted in ClinVar's aggregate classification.

Dr. Peter K. Rogan Lab, Western University
No classification provided (evidence only). Condition: Malignant tumor of esophagus. Review status: no classification provided. Collection method: in vitro. Allele origin: not applicable. Functional consequence: retained intron. Not counted in ClinVar's aggregate classification.

Literature cited by the submitters: PubMed 34714369 (cited by Genomenon, Inc).